The following is an entry in ClinVar:

ClinVar aggregate classification (germline): Uncertain significance (1 of 4 stars; one submission).

Submission:

GeneDx
Classification: Uncertain significance. Last evaluated: 2023-06-29. Review status: criteria provided, single submitter. Criteria: GeneDx Variant Classification Process June 2021. Collection method: clinical testing. Allele origin: germline. Affected: yes.
Comment: Not observed at significant frequency in large population cohorts (gnomAD); In silico analysis supports that this missense variant has a deleterious effect on protein structure/function; Has not been previously published as pathogenic or benign to our knowledge

NM_021076.4(NEFH):c.1151A>T (p.Glu384Val)

Gene: NEFH (neurofilament heavy chain; plus strand). Cytogenetic location: 22q12.2.
Variant type: single nucleotide variant.
Coding change: c.1151A>T on transcript NM_021076.4 (MANE Select); coding-DNA position 1151, A replaced by T.
Protein change: p.Glu384Val; replaces glutamic acid 384 with valine.
Molecular consequence: missense variant.
Genome position (GRCh38, 1-based): chr22:29,485,790, A>T. VCF-style: chr22-29485790-A-T. GRCh37 (hg19) VCF-style: chr22-29881779-A-T.
Other names: short protein forms E384V.
Identifiers: ClinVar variation 3360318 (VCV003360318.1).
Genomic context (GRCh38, chr22:29,485,790, plus strand): 5'-TTCAGCAGCTGGACGCTGAGCTGAGGAACACCAAGTGGGAGATGGCCGCCCAGCTGCGAG[A>T]ATACCAGGACCTGCTCAATGTCAAGATGGCTCTGGATATAGAGATAGCCGCTTACAGGTG-3'
Protein context (NP_066554.2, residues 374-394): TKWEMAAQLR[Glu384Val]YQDLLNVKMA